The following is an entry in ClinVar:

ClinVar aggregate classification (germline): Uncertain significance (1 of 4 stars; one submission).

Allele frequency attached by ClinVar (database versions not stated): ExAC 0.00001.
gnomAD v4.1: 2 of 1,613,816 alleles (0.00012%); highest among the groups gnomAD compares: Non-Finnish European, 0.00017%; no homozygotes.

Submission:

Labcorp Genetics (formerly Invitae), Labcorp
Classification: Uncertain significance. Last evaluated: 2022-08-22. Review status: criteria provided, single submitter. Criteria: Invitae Variant Classification Sherloc (09022015). Collection method: clinical testing. Allele origin: germline.
Comment: This sequence change replaces alanine, which is neutral and non-polar, with aspartic acid, which is acidic and polar, at codon 3242 of the USH2A protein (p.Ala3242Asp). This variant is present in population databases (rs752244441, gnomAD 0.0009%). In summary, the available evidence is currently insufficient to determine the role of this variant in disease. Therefore, it has been classified as a Variant of Uncertain Significance. Algorithms developed to predict the effect of missense changes on protein structure and function are either unavailable or do not agree on the potential impact of this missense change (SIFT: "Deleterious"; PolyPhen-2: "Benign"; Align-GVGD: "Class C15"). This variant has not been reported in the literature in individuals affected with USH2A-related conditions.

NM_206933.4(USH2A):c.9725C>A (p.Ala3242Asp)

Gene: USH2A (usherin; minus strand). Cytogenetic location: 1q41.
Variant type: single nucleotide variant.
Coding change: c.9725C>A on transcript NM_206933.4 (MANE Select); coding-DNA position 9725, C replaced by A.
Protein change: p.Ala3242Asp; replaces alanine 3242 with aspartic acid.
Molecular consequence: missense variant.
Genome position (GRCh38, 1-based): chr1:215,813,750, G>T on the plus strand (C>A on the coding strand, the complement: USH2A is on the minus strand). VCF-style: chr1-215813750-G-T. GRCh37 (hg19) VCF-style: chr1-215987092-G-T.
Other names: short protein forms A3242D.
Identifiers: ClinVar variation 2106171 (VCV002106171.4), dbSNP rs752244441, ClinGen allele CA1394233.